The following is an entry in ClinVar:

ClinVar aggregate classification (germline): Uncertain significance (1 of 4 stars; one submission).

Conditions:
Holoprosencephaly 3 (HPE3). Identifiers: Orphanet 2162, MedGen C1840529, MONDO:0007733, OMIM 142945.

Submission:

Labcorp Genetics (formerly Invitae), Labcorp
Classification: Uncertain significance for Holoprosencephaly 3. Last evaluated: 2022-12-03. Review status: criteria provided, single submitter. Criteria: Invitae Variant Classification Sherloc (09022015). Collection method: clinical testing. Allele origin: germline.
Comment: In summary, the available evidence is currently insufficient to determine the role of this variant in disease. Therefore, it has been classified as a Variant of Uncertain Significance. Experimental studies and prediction algorithms are not available or were not evaluated, and the effect of this variant on mRNA splicing is currently unknown. This variant has not been reported in the literature in individuals affected with SHH-related conditions. This variant is not present in population databases (gnomAD no frequency). This variant occurs in a non-coding region of the SHH gene. It does not change the encoded amino acid sequence of the SHH protein.

NC_000007.14:g.156796230G>A

Genes: LMBR1 (limb development membrane protein 1; minus strand), SHH (sonic hedgehog signaling molecule; minus strand). Cytogenetic location: 7q36.3.
Variant type: single nucleotide variant.
Molecular consequence: intron variant (on NM_022458.4).
Genome position: GRCh38 VCF-style: chr7-156796230-G-A. GRCh37 (hg19) VCF-style: chr7-156588924-G-A.
Other names: c.360+159C>T (NM_001363412.2); c.144+159C>T (NM_001350954.2); c.423+159C>T (NM_001363410.2, NM_022458.4, NM_001363409.2 and 1 more transcripts); c.-112+159C>T (NM_001350958.2, NM_001350956.2, NM_001350955.2 and 1 more transcripts); c.54+159C>T (NM_001350957.2, NM_001363411.2).
Identifiers: ClinVar variation 2818222 (VCV002818222.3), dbSNP rs2536197169, ClinGen allele CA2739279646.